The following is an entry in ClinVar:

NM_000059.4(BRCA2):c.276A>C (p.Gln92His)

Gene: BRCA2 (BRCA2 DNA repair associated; plus strand). Cytogenetic location: 13q13.1.
Variant type: single nucleotide variant.
Coding change: c.276A>C on transcript NM_000059.4 (MANE Select); coding-DNA position 276, A replaced by C.
Protein change: p.Gln92His; replaces glutamine 92 with histidine.
Molecular consequence: missense variant. On other transcripts: 5 prime UTR variant (1), non-coding transcript variant (1).
Genome position (GRCh38, 1-based): chr13:32,319,285, A>C. VCF-style: chr13-32319285-A-C. GRCh37 (hg19) VCF-style: chr13-32893422-A-C.
Other names: c.276A>C, p.Gln92His (NM_001406719.1, NM_001406720.1, NM_001406721.1 and 1 more transcripts); c.-94A>C (NM_001406722.1); short protein forms Q92H.
Identifiers: ClinVar variation 3698055 (VCV003698055.2).

ClinVar aggregate classification (germline): Uncertain significance (1 of 4 stars; one submission).

Conditions:
Hereditary breast ovarian cancer syndrome. Also called: BRCA1- and BRCA2-Associated Hereditary Breast and Ovarian Cancer; Breast and ovarian cancer; Hereditary breast and ovarian cancer; Hereditary breast and ovarian cancer syndrome (HBOC); Hereditary breast and ovarian cancer syndrome; Hereditary breast and/or ovarian cancer syndrome. Identifiers: Orphanet 145, MedGen C0677776, MeSH D061325, MONDO:0003582. Disease mechanism: loss of function.

Submission:

Labcorp Genetics (formerly Invitae), Labcorp
Classification: Uncertain significance for Hereditary breast ovarian cancer syndrome. Last evaluated: 2024-07-03. Review status: criteria provided, single submitter. Criteria: Invitae Variant Classification Sherloc (09022015). Collection method: clinical testing. Allele origin: germline.
Comment: This sequence change replaces glutamine, which is neutral and polar, with histidine, which is basic and polar, at codon 92 of the BRCA2 protein (p.Gln92His). This variant is not present in population databases (gnomAD no frequency). This variant has not been reported in the literature in individuals affected with BRCA2-related conditions. Advanced modeling of protein sequence and biophysical properties (such as structural, functional, and spatial information, amino acid conservation, physicochemical variation, residue mobility, and thermodynamic stability) performed at Invitae indicates that this missense variant is not expected to disrupt BRCA2 protein function with a negative predictive value of 95%. In summary, the available evidence is currently insufficient to determine the role of this variant in disease. Therefore, it has been classified as a Variant of Uncertain Significance.